The following is an entry in ClinVar:

NM_206933.4(USH2A):c.6564A>T (p.Thr2188=)

Gene: USH2A (usherin; minus strand). Cytogenetic location: 1q41.
Variant type: single nucleotide variant.
Coding change: c.6564A>T on transcript NM_206933.4 (MANE Select); coding-DNA position 6564, A replaced by T.
Protein change: p.Thr2188=; no amino-acid change (threonine 2188 retained).
Molecular consequence: synonymous variant.
Genome position (GRCh38, 1-based): chr1:215,998,980, T>A on the plus strand (A>T on the coding strand, the complement: USH2A is on the minus strand). VCF-style: chr1-215998980-T-A. GRCh37 (hg19) VCF-style: chr1-216172322-T-A.
Other names: c.6564A>T (NM_206933.2).
Identifiers: ClinVar variation 1080966 (VCV001080966.11), dbSNP rs144892471, ClinGen allele CA1395104.

ClinVar aggregate classification (germline): Likely benign. Review status: criteria provided, multiple submitters, no conflicts (2 of 4 stars). 3 submissions from 3 submitters: Likely benign (3). Last evaluated 2025-09-15.

Conditions:
USH2A-related disorder. Also called: USH2A-related disorders; USH2A-related condition. Identifiers: MedGen CN239332.

Allele frequency attached by ClinVar (database versions not stated): ExAC 0.00002; gnomAD exomes 0.00002; ESP Exome Variant Server 0.00023.
gnomAD v4.1: 22 of 1,612,868 alleles (0.0014%); highest among the groups gnomAD compares: African/African-American, 0.027%; no homozygotes.

Submissions (3):

PreventionGenetics, part of Exact Sciences
Classification: Likely benign for USH2A-related condition. Last evaluated: 2025-09-15. Review status: criteria provided, single submitter. Criteria: ACMG Guidelines, 2015. Collection method: clinical testing. Allele origin: germline.
Comment: This variant is classified as likely benign based on ACMG/AMP sequence variant interpretation guidelines (Richards et al. 2015 PMID: 25741868, with internal and published modifications).

Labcorp Genetics (formerly Invitae), Labcorp
Classification: Likely benign. Last evaluated: 2025-03-31. Review status: criteria provided, single submitter. Criteria: Invitae Variant Classification Sherloc (09022015). Collection method: clinical testing. Allele origin: germline.

Blueprint Genetics
Classification: Likely benign. Last evaluated: 2021-11-12. Review status: criteria provided, single submitter. Criteria: ACMG Guidelines, 2015. Collection method: clinical testing. Allele origin: germline.